The following is an entry in ClinVar:

NM_001110556.2(FLNA):c.3529G>A (p.Glu1177Lys)

Gene: FLNA (filamin A; minus strand). Cytogenetic location: Xq28.
Variant type: single nucleotide variant.
Coding change: c.3529G>A on transcript NM_001110556.2 (MANE Select); coding-DNA position 3529, G replaced by A.
Protein change: p.Glu1177Lys; replaces glutamic acid 1177 with lysine.
Molecular consequence: missense variant.
Genome position (GRCh38, 1-based): chrX:154,360,266, C>T on the plus strand (G>A on the coding strand, the complement: FLNA is on the minus strand). VCF-style: chrX-154360266-C-T. GRCh37 (hg19) VCF-style: chrX-153588634-C-T.
Other names: c.3529G>A, p.Glu1177Lys (NM_001456.4); short protein forms E1177K.
Identifiers: ClinVar variation 1354685 (VCV001354685.8), dbSNP rs1557177738, ClinGen allele CA415224709.
Genomic context (GRCh38, chrX:154,360,266, plus strand): 5'-TCTCAATGGTCAGCTCCGCGCTGCCCGCGCTCGAGCAGTCCACTTGGAATTGGCCCACCT[C>T]CCCAGCGGTGGCCCGCTCCAGCCCGGGGCCTGAGCACTTGACTTTGGATGCGTCAAAGCA-3'
Protein context (NP_001104026.1, residues 1167-1187): GPGLERATAG[Glu1177Lys]VGQFQVDCSS

ClinVar aggregate classification (germline): Uncertain significance (1 of 4 stars; one submission).

Conditions:
Heterotopia, periventricular, X-linked dominant (PVNH1). Also called: PERIVENTRICULAR NODULAR HETEROTOPIA 1; X-linked periventricular heterotopia; PERIVENTRICULAR NODULAR HETEROTOPIA 4; HETEROTOPIA, PERIVENTRICULAR, 1. Identifiers: Orphanet 2149, Orphanet 82004, MedGen C1848213, MONDO:0010233, OMIM 300049.
Oto-palato-digital syndrome, type II (OPD2). Also called: OPD II SYNDROME; Otopalatodigital Syndrome, Type II; Otopalatodigital Syndrome Type 2 (FLNA-OPD2); FACIOPALATOOSSEOUS SYNDROME. Identifiers: Orphanet 669, Orphanet 90652, MedGen C1844696, MONDO:0010571, OMIM 304120.
Melnick-Needles syndrome (MNS). Also called: MELNICK-NEEDLES OSTEODYSPLASTY; OSTEODYSPLASTY OF MELNICK AND NEEDLES; Melnick-Needles Syndrome (FLNA-MNS). Identifiers: Orphanet 2484, MedGen C0025237, MONDO:0010650, OMIM 309350.
Frontometaphyseal dysplasia (FMD1). Identifiers: Orphanet 1826, MedGen C0265293, MONDO:0015942.

gnomAD v4.1: 2 of 1,211,877 alleles (0.00017%); highest among the groups gnomAD compares: East Asian, 0.003%; no homozygotes.

Submission:

Labcorp Genetics (formerly Invitae), Labcorp
Classification: Uncertain significance for Oto-palato-digital syndrome, type II; Heterotopia, periventricular, X-linked dominant; Frontometaphyseal dysplasia; Melnick-Needles syndrome. Last evaluated: 2022-07-19. Review status: criteria provided, single submitter. Criteria: Invitae Variant Classification Sherloc (09022015). Collection method: clinical testing. Allele origin: germline.
Comment: This variant is not present in population databases (gnomAD no frequency). This sequence change replaces glutamic acid, which is acidic and polar, with lysine, which is basic and polar, at codon 1177 of the FLNA protein (p.Glu1177Lys). This variant has not been reported in the literature in individuals affected with FLNA-related conditions. ClinVar contains an entry for this variant (Variation ID: 1354685). Advanced modeling of protein sequence and biophysical properties (such as structural, functional, and spatial information, amino acid conservation, physicochemical variation, residue mobility, and thermodynamic stability) performed at Invitae indicates that this missense variant is not expected to disrupt FLNA protein function. In summary, the available evidence is currently insufficient to determine the role of this variant in disease. Therefore, it has been classified as a Variant of Uncertain Significance.